The following is an entry in ClinVar:

NM_000152.5(GAA):c.2482-1G>T

Gene: GAA (alpha glucosidase; plus strand). Cytogenetic location: 17q25.3.
Variant type: single nucleotide variant.
Coding change: c.2482-1G>T on transcript NM_000152.5 (MANE Select); the canonical splice acceptor site of the intron before coding-DNA position 2482, G replaced by T.
Molecular consequence: splice acceptor variant.
Genome position (GRCh38, 1-based): chr17:80,118,192, G>T. VCF-style: chr17-80118192-G-T. GRCh37 (hg19) VCF-style: chr17-78091991-G-T.
Other names: c.2482-1G>T (NM_001406741.1, NM_001406742.1, NM_001079803.3 and 1 more transcripts).
Identifiers: ClinVar variation 2704465 (VCV002704465.4), dbSNP rs2510402002, ClinGen allele CA401325934.

ClinVar aggregate classification (germline): Likely pathogenic. Review status: criteria provided, multiple submitters, no conflicts (2 of 4 stars). 2 submissions from 2 submitters: Likely pathogenic (2). Last evaluated 2026-07-01.

Conditions:
Glycogen storage disease, type II (IOPD). Also called: CARDIOMEGALIA GLYCOGENICA DIFFUSA; GLYCOGENOSIS, GENERALIZED, CARDIAC FORM; GSD II; Glycogen storage disease type 2; Acid maltase deficiency disease; Aglucosidase alfa. Identifiers: Orphanet 365, MedGen C0017921, MONDO:0009290, OMIM 232300.

gnomAD v4.1: 1 of 1,612,968 alleles (0.000062%); highest among the groups gnomAD compares: Non-Finnish European, 0.000085%; no homozygotes.

Submissions (2):

Genomenon, Inc
Classification: Likely pathogenic for Glycogen storage disease, type II. Last evaluated: 2026-07-01. Review status: criteria provided, single submitter. Criteria: Genomenon Sequence Variant Interpretation Standards - Updated. Collection method: curation. Allele origin: germline. Affected: no.
Comment: GAA c.2482-1G>T is a canonical splice variant affecting the acceptor splice site of intron 17. It is predicted to affect mRNA splicing, leading to a deleterious effect on the GAA protein. This variant has been reported in the published literature (PMID:30471092). It is absent or not present at a significant frequency in gnomAD. In conclusion, we classify GAA c.2482-1G>T as a likely pathogenic variant.

Labcorp Genetics (formerly Invitae), Labcorp
Classification: Likely pathogenic for Glycogen storage disease, type II. Last evaluated: 2023-12-20. Review status: criteria provided, single submitter. Criteria: Invitae Variant Classification Sherloc (09022015). Collection method: clinical testing. Allele origin: germline.
Comment: This sequence change affects an acceptor splice site in intron 17 of the GAA gene. It is expected to disrupt RNA splicing. Variants that disrupt the donor or acceptor splice site typically lead to a loss of protein function (PMID: 16199547), and loss-of-function variants in GAA are known to be pathogenic (PMID: 18425781, 22252923). This variant is not present in population databases (gnomAD no frequency). This variant has not been reported in the literature in individuals affected with GAA-related conditions. Algorithms developed to predict the effect of sequence changes on RNA splicing suggest that this variant may disrupt the consensus splice site. In summary, the currently available evidence indicates that the variant is pathogenic, but additional data are needed to prove that conclusively. Therefore, this variant has been classified as Likely Pathogenic.

Literature cited by the submitters: PubMed 30471092 (cited by Genomenon, Inc); PubMed 16199547 (cited by Labcorp Genetics (formerly Invitae), Labcorp); PubMed 18425781 (cited by Labcorp Genetics (formerly Invitae), Labcorp); PubMed 22252923 (cited by Labcorp Genetics (formerly Invitae), Labcorp).